The following is an entry in ClinVar:

NM_017780.4(CHD7):c.1315C>G (p.Pro439Ala)

Gene: CHD7 (chromodomain helicase DNA binding protein 7; plus strand). Cytogenetic location: 8q12.2.
Variant type: single nucleotide variant.
Coding change: c.1315C>G on transcript NM_017780.4 (MANE Select); coding-DNA position 1315, C replaced by G.
Protein change: p.Pro439Ala; replaces proline 439 with alanine.
Molecular consequence: missense variant.
Genome position (GRCh38, 1-based): chr8:60,742,747, C>G. VCF-style: chr8-60742747-C-G. GRCh37 (hg19) VCF-style: chr8-61655306-C-G.
Other names: c.1315C>G, p.Pro439Ala (NM_001316690.1); short protein forms P439A.
Identifiers: ClinVar variation 944579 (VCV000944579.12), dbSNP rs772369092, ClinGen allele CA177313437.

ClinVar aggregate classification (germline): Conflicting classifications of pathogenicity. Review status: criteria provided, conflicting classifications (1 of 4 stars). 3 submissions from 3 submitters: Uncertain significance (2); Benign (1). Last evaluated 2025-11-09.

Conditions:
Hypogonadotropic hypogonadism 5 with or without anosmia (KAL5). Also called: HYPOGONADOTROPIC HYPOGONADISM 5 WITH ANOSMIA; HYPOGONADOTROPHIC HYPOGONADISM 5 WITHOUT ANOSMIA; CHD7-Related GnRH Deficiency (Kallmann Syndrome 5). Identifiers: Orphanet 478, MedGen C3552553, MONDO:0012880, OMIM 612370. Disease mechanism: loss of function.
CHARGE syndrome (CHARGE). Also called: Hittner Hirsch Kreh syndrome; Coloboma, heart anomaly, choanal atresia, retardation, genital and ear anomalies; CHARGE association; Hall-Hittner syndrome; CHARGE ASSOCIATION--COLOBOMA, HEART ANOMALY, CHOANAL ATRESIA, RETARDATION, GENITAL AND EAR ANOMALIES. Identifiers: Orphanet 138, MedGen C0265354, MONDO:0008965.

Allele frequency attached by ClinVar (database versions not stated): TOPMed 0.00002.
gnomAD v4.1: 5 of 1,613,878 alleles (0.00031%); highest among the groups gnomAD compares: Admixed American, 0.0083%; no homozygotes.

Submissions (3):

Labcorp Genetics (formerly Invitae), Labcorp
Classification: Benign for CHARGE syndrome. Last evaluated: 2025-11-09. Review status: criteria provided, single submitter. Criteria: Invitae Variant Classification Sherloc (09022015). Collection method: clinical testing. Allele origin: germline.

Women's Health and Genetics/Laboratory Corporation of America, LabCorp
Classification: Uncertain significance. Last evaluated: 2024-06-07. Review status: criteria provided, single submitter. Criteria: LabCorp Variant Classification Summary - May 2015. Collection method: clinical testing. Allele origin: germline.
Comment: Variant summary: CHD7 c.1315C>G (p.Pro439Ala) results in a non-conservative amino acid change in the encoded protein sequence. Three of five in-silico tools predict a benign effect of the variant on protein function. The variant allele was found at a frequency of 1.6e-05 in 249202 control chromosomes, predominantly at a frequency of 0.00012 within the Latino subpopulation in the gnomAD database. The available data on variant occurrences in the general population are insufficient to allow any conclusion about variant significance. To our knowledge, no occurrence of c.1315C>G in individuals affected with Hypogonadotropic Hypogonadism 5 With Or Without Anosmia and no experimental evidence demonstrating its impact on protein function have been reported. ClinVar contains an entry for this variant (Variation ID: 944579). Based on the evidence outlined above, the variant was classified as uncertain significance.

Fulgent Genetics
Classification: Uncertain significance for CHD7-related CHARGE syndrome; Hypogonadotropic hypogonadism 5 with or without anosmia. Last evaluated: 2024-05-13. Review status: criteria provided, single submitter. Criteria: ACMG Guidelines, 2015. Collection method: clinical testing. Allele origin: germline.